The following is an entry in ClinVar:

ClinVar aggregate classification (germline): Uncertain significance (1 of 4 stars; one submission).

Conditions:
Colorectal cancer, hereditary nonpolyposis, type 7. Identifiers: Orphanet 144, MedGen C1858380, MONDO:0013725, OMIM 614385.

Allele frequency attached by ClinVar (database versions not stated): TOPMed below 0.00001.

Submission:

Labcorp Genetics (formerly Invitae), Labcorp
Classification: Uncertain significance for Colorectal cancer, hereditary nonpolyposis, type 7. Last evaluated: 2022-11-26. Review status: criteria provided, single submitter. Criteria: Invitae Variant Classification Sherloc (09022015). Collection method: clinical testing. Allele origin: germline.
Comment: This variant has not been reported in the literature in individuals affected with MLH3-related conditions. This sequence change replaces aspartic acid, which is acidic and polar, with glutamic acid, which is acidic and polar, at codon 1127 of the MLH3 protein (p.Asp1127Glu). This variant is not present in population databases (gnomAD no frequency). Algorithms developed to predict the effect of missense changes on protein structure and function (SIFT, PolyPhen-2, Align-GVGD) all suggest that this variant is likely to be tolerated. Algorithms developed to predict the effect of sequence changes on RNA splicing suggest that this variant may disrupt the consensus splice site. In summary, the available evidence is currently insufficient to determine the role of this variant in disease. Therefore, it has been classified as a Variant of Uncertain Significance.

NM_001040108.2(MLH3):c.3381T>A (p.Asp1127Glu)

Gene: MLH3 (mutL homolog 3; minus strand). Cytogenetic location: 14q24.3.
Variant type: single nucleotide variant.
Coding change: c.3381T>A on transcript NM_001040108.2 (MANE Select); coding-DNA position 3381, T replaced by A.
Protein change: p.Asp1127Glu; replaces aspartic acid 1127 with glutamic acid.
Molecular consequence: missense variant.
Genome position (GRCh38, 1-based): chr14:75,041,699, A>T on the plus strand (T>A on the coding strand, the complement: MLH3 is on the minus strand). VCF-style: chr14-75041699-A-T. GRCh37 (hg19) VCF-style: chr14-75508402-A-T.
Other names: c.3381T>A, p.Asp1127Glu (NM_014381.3); short protein forms D1127E.
Identifiers: ClinVar variation 2816821 (VCV002816821.3), dbSNP rs1183237550, ClinGen allele CA390431269.